The following is an entry in ClinVar:

NM_000996.4(RPL35A):c.55C>T (p.Arg19Trp)

Genes: DRC9 (dynein regulatory complex subunit 9; minus strand), RPL35A (ribosomal protein L35a; plus strand). Cytogenetic location: 3q29.
Variant type: single nucleotide variant.
Coding change: c.55C>T on transcript NM_000996.4 (MANE Select); coding-DNA position 55, C replaced by T.
Protein change: p.Arg19Trp; replaces arginine 19 with tryptophan.
Molecular consequence: missense variant. On other transcripts: intron variant (3).
Genome position (GRCh38, 1-based): chr3:197,951,202, C>T. VCF-style: chr3-197951202-C-T. GRCh37 (hg19) VCF-style: chr3-197678073-C-T.
Other names: c.55C>T, p.Arg19Trp (NM_001316311.2); c.-49-7151G>A (NM_001323028.2); c.-59-5516G>A (NM_032263.5); c.-374-5516G>A (NM_001323029.2); short protein forms R19W.
Identifiers: ClinVar variation 901001 (VCV000901001.5), dbSNP rs1349665099, ClinGen allele CA355902598.

ClinVar aggregate classification (germline): Uncertain significance. Review status: criteria provided, multiple submitters, no conflicts (2 of 4 stars). 2 submissions from 2 submitters: Uncertain significance (2). Last evaluated 2025-02-28.

Conditions:
Diamond-Blackfan anemia 5 (DBA5). Also called: RPL35A-Related Diamond-Blackfan Anemia. Identifiers: Orphanet 124, MedGen C2675859, MONDO:0012925, OMIM 612528.

Allele frequency attached by ClinVar (database versions not stated): gnomAD exomes below 0.00001 and 0.00001; gnomAD 0.00001; TOPMed 0.00001.
gnomAD v4.1: 4 of 1,613,954 alleles (0.00025%); highest among the groups gnomAD compares: Non-Finnish European, 0.00034%; no homozygotes.

Submissions (2):

Labcorp Genetics (formerly Invitae), Labcorp
Classification: Uncertain significance for Diamond-Blackfan anemia 5. Last evaluated: 2025-02-28. Review status: criteria provided, single submitter. Criteria: Invitae Variant Classification Sherloc (09022015). Collection method: clinical testing. Allele origin: germline.
Comment: This sequence change replaces arginine, which is basic and polar, with tryptophan, which is neutral and slightly polar, at codon 19 of the RPL35A protein (p.Arg19Trp). This variant is present in population databases (no rsID available, gnomAD 0.0009%). This variant has not been reported in the literature in individuals affected with RPL35A-related conditions. ClinVar contains an entry for this variant (Variation ID: 901001). An algorithm developed to predict the effect of missense changes on protein structure and function (PolyPhen-2) suggests that this variant is likely to be tolerated. In summary, the available evidence is currently insufficient to determine the role of this variant in disease. Therefore, it has been classified as a Variant of Uncertain Significance.

Illumina Laboratory Services, Illumina
Classification: Uncertain significance for Diamond-Blackfan anemia 5. Last evaluated: 2018-01-13. Review status: criteria provided, single submitter. Criteria: ICSL Variant Classification Criteria 13 December 2019. Collection method: clinical testing. Allele origin: germline.